The following is an entry in ClinVar:

NM_016333.4(SRRM2):c.7911CTC[1] (p.Ser2648del)

Gene: SRRM2 (serine/arginine repetitive matrix 2; plus strand). Cytogenetic location: 16p13.3.
Variant type: Microsatellite.
Coding change: c.7911CTC[1] on transcript NM_016333.4 (MANE Select); one copy of the 3-base unit CTC starting at c.7911; the reference has two copies in a row; one copy, 3 bases deleted.
Protein change: p.Ser2648del; deletes serine 2648.
Molecular consequence: inframe deletion.
Genome position (GRCh38, 1-based): chr16:2,769,177-2,769,179, CTC deleted; deleting any 3 consecutive bases within chr16:2,769,172-2,769,179 gives the same sequence; the position shown is the placement nearest the transcript's 3' end. VCF-style (leftmost placement, unchanged base first): chr16-2769171-TTCC-T. GRCh37 (hg19) VCF-style: chr16-2819172-TTCC-T.
Other names: short protein forms S2648del.
Identifiers: ClinVar variation 4533998 (VCV004533998.6).

ClinVar aggregate classification (germline): Likely benign (1 of 4 stars; one submission).

Submission:

CeGaT Center for Human Genetics Tuebingen
Classification: Likely benign. Last evaluated: 2025-10-01. Review status: criteria provided, single submitter. Criteria: CeGaT Center For Human Genetics Tuebingen Variant Classification Criteria Version 2. Collection method: clinical testing. Allele origin: germline. Affected: yes. Observed: 1 variant allele.
Comment: SRRM2: BS1